The following is an entry in ClinVar:

ClinVar aggregate classification (germline): Uncertain significance (1 of 4 stars; one submission).

Conditions:
Cardiovascular phenotype. Identifiers: MedGen CN230736.

gnomAD v4.1: 4 of 1,614,066 alleles (0.00025%); highest among the groups gnomAD compares: South Asian, 0.0044%; no homozygotes.

Submission:

Ambry Genetics
Classification: Uncertain significance for Cardiovascular phenotype. Last evaluated: 2026-02-22. Review status: criteria provided, single submitter. Criteria: Ambry Variant Classification Scheme 2023. Collection method: clinical testing. Allele origin: germline.
Comment: The p.V1375A variant (also known as c.4124T>C), located in coding exon 14 of the AKAP9 gene, results from a T to C substitution at nucleotide position 4124. The valine at codon 1375 is replaced by alanine, an amino acid with similar properties. This amino acid position is conserved. In addition, this alteration is predicted to be tolerated by in silico analysis. Based on the available evidence, the clinical significance of this variant remains unclear.

NM_005751.5(AKAP9):c.4124T>C (p.Val1375Ala)

Gene: AKAP9 (A-kinase anchoring protein 9; plus strand). Cytogenetic location: 7q21.2.
Variant type: single nucleotide variant.
Coding change: c.4124T>C on transcript NM_005751.5 (MANE Select); coding-DNA position 4124, T replaced by C.
Protein change: p.Val1375Ala; replaces valine 1375 with alanine.
Molecular consequence: missense variant.
Genome position (GRCh38, 1-based): chr7:92,022,985, T>C. VCF-style: chr7-92022985-T-C. GRCh37 (hg19) VCF-style: chr7-91652299-T-C.
Other names: c.4124T>C, p.Val1375Ala (NM_147185.3); short protein forms V1375A.
Identifiers: ClinVar variation 4826438 (VCV004826438.1).